The following is an entry in ClinVar:

NM_000287.4(PEX6):c.2011G>A (p.Gly671Ser)

Gene: PEX6 (peroxisomal biogenesis factor 6; minus strand). Cytogenetic location: 6p21.1.
Variant type: single nucleotide variant.
Coding change: c.2011G>A on transcript NM_000287.4 (MANE Select); coding-DNA position 2011, G replaced by A.
Protein change: p.Gly671Ser; replaces glycine 671 with serine.
Molecular consequence: missense variant. On other transcripts: non-coding transcript variant (1).
Genome position (GRCh38, 1-based): chr6:42,966,608, C>T on the plus strand (G>A on the coding strand, the complement: PEX6 is on the minus strand). VCF-style: chr6-42966608-C-T. GRCh37 (hg19) VCF-style: chr6-42934346-C-T.
Other names: c.1747G>A, p.Gly583Ser (NM_001316313.2); short protein forms G583S, G671S.
Identifiers: ClinVar variation 1380923 (VCV001380923.6), dbSNP rs776805570, ClinGen allele CA3811142.

ClinVar aggregate classification (germline): Uncertain significance. Review status: criteria provided, multiple submitters, no conflicts (2 of 4 stars). 3 submissions from 3 submitters: Uncertain significance (3). Last evaluated 2026-04-30.

Conditions:
Prelingual sensorineural hearing impairment. Identifiers: MedGen C4021806, HP:0000399.
Peroxisome biogenesis disorder. Identifiers: Orphanet 79189, MedGen C1832200, MONDO:0019234. Disease mechanism: loss of function.

Allele frequency attached by ClinVar (database versions not stated): gnomAD 0.00001; gnomAD exomes 0.00001; TOPMed 0.00001; ExAC 0.00002.
gnomAD v4.1: 9 of 1,614,022 alleles (0.00056%); highest among the groups gnomAD compares: African/African-American, 0.0053%; no homozygotes.

Submissions (3):

Laboratory of Molecular, Cellular and Translation Genetics in Otolaryngology/ Lim32-hcfmusp, University of Sao Paulo School of Medicine Clinics Hospital
Classification: Uncertain significance for Prelingual sensorineural hearing impairment. Last evaluated: 2026-04-30. Review status: criteria provided, single submitter. Criteria: ACMG Guidelines, 2015. Collection method: research. Allele origin: germline. Affected: yes.
Comment: NM_000287.4.2011G>A; p.(Gly671Ser). This variant has been classified as a variant of uncertain significance (VUS). It is rare in population databases (PM2_supporting), and in silico prediction tools support a deleterious effect on protein function (PP3). However, the available evidence is insufficient to establish a causal role for these variants in the observed phenotype as described in PMID: 42233699.

Blueprint Genetics
Classification: Uncertain significance. Last evaluated: 2024-01-23. Review status: criteria provided, single submitter. Criteria: ACMG Guidelines, 2015. Collection method: clinical testing. Allele origin: germline.

Labcorp Genetics (formerly Invitae), Labcorp
Classification: Uncertain significance for Peroxisome biogenesis disorder. Last evaluated: 2022-08-23. Review status: criteria provided, single submitter. Criteria: Invitae Variant Classification Sherloc (09022015). Collection method: clinical testing. Allele origin: germline.
Comment: This sequence change replaces glycine, which is neutral and non-polar, with serine, which is neutral and polar, at codon 671 of the PEX6 protein (p.Gly671Ser). This variant is present in population databases (rs776805570, gnomAD 0.005%). This variant has not been reported in the literature in individuals affected with PEX6-related conditions. ClinVar contains an entry for this variant (Variation ID: 1380923). Algorithms developed to predict the effect of missense changes on protein structure and function are either unavailable or do not agree on the potential impact of this missense change (SIFT: "Tolerated"; PolyPhen-2: "Probably Damaging"; Align-GVGD: "Class C0"). Algorithms developed to predict the effect of sequence changes on RNA splicing suggest that this variant may create or strengthen a splice site. In summary, the available evidence is currently insufficient to determine the role of this variant in disease. Therefore, it has been classified as a Variant of Uncertain Significance.

Literature cited by the submitters: PubMed 42233699 (cited by Laboratory of Molecular, Cellular and Translation Genetics in Otolaryngology/ Lim32-hcfmusp, University of Sao Paulo School of Medicine Clinics Hospital).